The following is an entry in ClinVar:

ClinVar aggregate classification (germline): Uncertain significance (1 of 4 stars; one submission).

Conditions:
Primary ciliary dyskinesia 5. Also called: CILIARY DYSKINESIA, PRIMARY, 5, WITHOUT SITUS INVERSUS. Identifiers: Orphanet 244, MedGen C1837615, MONDO:0012088, OMIM 608647.

Allele frequency attached by ClinVar (database versions not stated): ESP Exome Variant Server 0.00008; gnomAD exomes 0.00014 and 0.00031; gnomAD 0.00029; ExAC 0.00038; TOPMed 0.00048.
gnomAD v4.1: 267 of 1,612,286 alleles (0.017%); highest among the groups gnomAD compares: Admixed American, 0.13%; no homozygotes.

Submission:

Baylor Genetics
Classification: Uncertain significance for Primary ciliary dyskinesia 5. Last evaluated: 2018-02-13. Review status: criteria provided, single submitter. Criteria: ACMG Guidelines, 2015. Collection method: clinical testing. Allele origin: paternal. Affected: yes.
Comment: This variant was determined to be of uncertain significance according to ACMG Guidelines, 2015 [PMID:25741868].

NM_001270974.2(HYDIN):c.7483G>A (p.Asp2495Asn)

Gene: HYDIN (HYDIN axonemal central pair apparatus protein; minus strand). Cytogenetic location: 16q22.2.
Variant type: single nucleotide variant.
Coding change: c.7483G>A on transcript NM_001270974.2 (MANE Select); coding-DNA position 7483, G replaced by A.
Protein change: p.Asp2495Asn; replaces aspartic acid 2495 with asparagine.
Molecular consequence: missense variant.
Genome position (GRCh38, 1-based): chr16:70,920,893, C>T on the plus strand (G>A on the coding strand, the complement: HYDIN is on the minus strand). VCF-style: chr16-70920893-C-T. GRCh37 (hg19) VCF-style: chr16-70954796-C-T.
Other names: short protein forms D2495N.
Identifiers: ClinVar variation 1031948 (VCV001031948.1), dbSNP rs368122246, ClinGen allele CA8149960.